The following is an entry in ClinVar:

NM_005188.4(CBL):c.2006C>T (p.Ser669Phe)

Gene: CBL (Cbl proto-oncogene; plus strand). Cytogenetic location: 11q23.3.
Variant type: single nucleotide variant.
Coding change: c.2006C>T on transcript NM_005188.4 (MANE Select); coding-DNA position 2006, C replaced by T.
Protein change: p.Ser669Phe; replaces serine 669 with phenylalanine.
Molecular consequence: missense variant.
Genome position (GRCh38, 1-based): chr11:119,287,916, C>T. VCF-style: chr11-119287916-C-T. GRCh37 (hg19) VCF-style: chr11-119158626-C-T.
Other names: short protein forms S669F.
Identifiers: ClinVar variation 3827828 (VCV003827828.1).

ClinVar aggregate classification (germline): Uncertain significance (1 of 4 stars; one submission).

Conditions:
Cardiovascular phenotype. Identifiers: MedGen CN230736.

Submission:

Ambry Genetics
Classification: Uncertain significance for Cardiovascular phenotype. Last evaluated: 2025-01-30. Review status: criteria provided, single submitter. Criteria: Ambry Variant Classification Scheme 2023. Collection method: clinical testing. Allele origin: germline.
Comment: The p.S669F variant (also known as c.2006C>T), located in coding exon 12 of the CBL gene, results from a C to T substitution at nucleotide position 2006. The serine at codon 669 is replaced by phenylalanine, an amino acid with highly dissimilar properties. This amino acid position is conserved. In addition, the in silico prediction for this alteration is inconclusive. Based on the available evidence, the clinical significance of this variant remains unclear.